The following is an entry in ClinVar:

NM_021096.4(CACNA1I):c.2529C>T (p.Val843=)

Gene: CACNA1I (calcium voltage-gated channel subunit alpha1 I; plus strand). Cytogenetic location: 22q13.1.
Variant type: single nucleotide variant.
Coding change: c.2529C>T on transcript NM_021096.4 (MANE Select); coding-DNA position 2529, C replaced by T.
Protein change: p.Val843=; no amino-acid change (valine 843 retained).
Molecular consequence: synonymous variant.
Genome position (GRCh38, 1-based): chr22:39,659,777, C>T. VCF-style: chr22-39659777-C-T. GRCh37 (hg19) VCF-style: chr22-40055782-C-T.
Other names: c.2424C>T, p.Val808= (NM_001003406.2).
Identifiers: ClinVar variation 790777 (VCV000790777.8), dbSNP rs143888179, ClinGen allele CA10244204.
Genomic context (GRCh38, chr22:39,659,777, plus strand): 5'-GAACGTCGTTCTCTACAATGGCATGGCCTCCACTTCTCCCTGGGCCTCCCTCTACTTTGT[C>T]GCCCTCATGACCTTCGGCAACTATGTGCTCTTCAACCTGCTGGTGGCCATCCTGGTGGAG-3'
Protein context (NP_066919.2, residues 833-853): STSPWASLYF[Val843=]ALMTFGNYVL

ClinVar aggregate classification (germline): Benign/Likely benign. Review status: criteria provided, multiple submitters, no conflicts (2 of 4 stars). 4 submissions from 4 submitters: Benign (2); Likely benign (1). 1 of the submissions does not count toward it. Last evaluated 2024-10-23.

Conditions:
CACNA1I-related disorder. Also called: CACNA1I-related condition.

Allele frequency attached by ClinVar (database versions not stated): gnomAD exomes 0.00051 and 0.00124; ExAC 0.00150; gnomAD 0.00516 and 0.00551; TOPMed 0.00595; 1000 Genomes Project 0.00599; ESP Exome Variant Server 0.00605; 1000 Genomes Project 30x 0.00609.
gnomAD v4.1: 1,558 of 1,613,952 alleles (0.097%); highest among the groups gnomAD compares: African/African-American, 1.8%; 12 homozygotes.

Submissions (4):

Blueprint Genetics
Classification: Likely benign. Last evaluated: 2024-10-23. Review status: criteria provided, single submitter. Criteria: ACMG Guidelines, 2015. Collection method: clinical testing. Allele origin: germline.

Labcorp Genetics (formerly Invitae), Labcorp
Classification: Benign. Last evaluated: 2019-12-31. Review status: criteria provided, single submitter. Criteria: Invitae Variant Classification Sherloc (09022015). Collection method: clinical testing. Allele origin: germline.

Breakthrough Genomics
Classification: Benign. Review status: criteria provided, single submitter. Criteria: ACMG Guidelines, 2015. Collection method: not provided. Allele origin: germline. Inheritance: Autosomal dominant inheritance. Affected: yes.

PreventionGenetics, part of Exact Sciences
Classification: Benign for CACNA1I-related condition. Last evaluated: 2023-02-07. Review status: no assertion criteria provided. Collection method: clinical testing. Allele origin: germline. Not counted in ClinVar's aggregate classification.
Comment: This variant is classified as benign based on ACMG/AMP sequence variant interpretation guidelines (Richards et al. 2015 PMID: 25741868, with internal and published modifications).